The following is an entry in ClinVar:

NM_033305.3(VPS13A):c.3248A>G (p.Glu1083Gly)

Gene: VPS13A (vacuolar protein sorting 13 homolog A; plus strand). Cytogenetic location: 9q21.2.
Variant type: single nucleotide variant.
Coding change: c.3248A>G on transcript NM_033305.3 (MANE Select); coding-DNA position 3248, A replaced by G.
Protein change: p.Glu1083Gly; replaces glutamic acid 1083 with glycine.
Molecular consequence: missense variant.
Genome position (GRCh38, 1-based): chr9:77,283,559, A>G. VCF-style: chr9-77283559-A-G. GRCh37 (hg19) VCF-style: chr9-79898475-A-G.
Other names: c.3131A>G, p.Glu1044Gly (NM_001018037.2); c.3248A>G, p.Glu1083Gly (NM_001018038.3, NM_015186.4); short protein forms E1044G, E1083G.
Identifiers: ClinVar variation 4975677 (VCV004975677.1).

ClinVar aggregate classification (germline): Uncertain significance (1 of 4 stars; one submission).

gnomAD v4.1: 1 of 1,613,400 alleles (0.000062%); highest among the groups gnomAD compares: Admixed American, 0.0017%; no homozygotes.

Submission:

GeneDx
Classification: Uncertain significance. Last evaluated: 2026-01-27. Review status: criteria provided, single submitter. Criteria: GeneDx Variant Classification Process June 2021. Collection method: clinical testing. Allele origin: germline.
Comment: Not observed at significant frequency in large population cohorts (gnomAD); In silico analysis suggests that this missense variant does not alter protein structure/function; Has not been previously published as pathogenic or benign to our knowledge